The following is an entry in ClinVar:

NM_000255.4(MMUT):c.1505_1560del (p.Val502fs)

Gene: MMUT (methylmalonyl-CoA mutase; minus strand). Cytogenetic location: 6p12.3.
Variant type: Deletion.
Coding change: c.1505_1560del on transcript NM_000255.4 (MANE Select); coding-DNA positions 1505 to 1560, 56 bases deleted.
Protein change: p.Val502fs; shifts the reading frame from valine 502.
Molecular consequence: frameshift variant.
Genome position (GRCh38, 1-based): chr6:49,447,670-49,447,725, 56 bases deleted. GRCh37 (hg19): chr6:49,415,388-49,415,443.
Other names: short protein forms V502fs.
Identifiers: ClinVar variation 4854261 (VCV004854261.1).

ClinVar aggregate classification (germline): Likely pathogenic (1 of 4 stars; one submission).

Conditions:
Methylmalonic aciduria due to methylmalonyl-CoA mutase deficiency (MAMM). Also called: Methylmalonic aciduria, mut type. Identifiers: Orphanet 27, MedGen C1855114, MONDO:0009612, OMIM 251000.

Submission:

3billion
Classification: Likely pathogenic for Methylmalonic aciduria due to methylmalonyl-CoA mutase deficiency. Last evaluated: 2026-01-06. Review status: criteria provided, single submitter. Criteria: ACMG Guidelines, 2015. Collection method: clinical testing. Allele origin: germline. Affected: yes.
Comment: The variant is not observed in the gnomAD v4.1.0 dataset. Predicted Consequence/Location: Frameshift: predicted to result in a loss or disruption of normal protein function through nonsense-mediated decay (NMD) or protein truncation. Multiple pathogenic variants are reported downstream of the variant. Therefore, this variant is classified as Likely pathogenic according to the recommendation of ACMG/AMP guideline.